The following is an entry in ClinVar:

NM_002336.3(LRP6):c.310T>C (p.Trp104Arg)

Gene: LRP6 (LDL receptor related protein 6; minus strand). Cytogenetic location: 12p13.2.
Variant type: single nucleotide variant.
Coding change: c.310T>C on transcript NM_002336.3 (MANE Select); coding-DNA position 310, T replaced by C.
Protein change: p.Trp104Arg; replaces tryptophan 104 with arginine.
Molecular consequence: missense variant. On other transcripts: 5 prime UTR variant (2), non-coding transcript variant (1), intron variant (1).
Genome position (GRCh38, 1-based): chr12:12,244,401, A>G on the plus strand (T>C on the coding strand, the complement: LRP6 is on the minus strand). VCF-style: chr12-12244401-A-G. GRCh37 (hg19) VCF-style: chr12-12397335-A-G.
Other names: c.310T>C, p.Trp104Arg (NM_001414244.1, NM_001414245.1, NM_001414246.1 and 6 more transcripts); c.-144T>C (NM_001414253.1); c.-140T>C (NM_001414254.1); c.-5+22280T>C (NM_001414252.1); short protein forms W104R.
Identifiers: ClinVar variation 2859315 (VCV002859315.3), dbSNP rs2499322213, ClinGen allele CA383945248.
Genomic context (GRCh38, chr12:12,244,401, plus strand): 5'-AATTAGAAACTTCAATCCGATTAGTTTCAGAATCTGTCCAGTACAATTTTTCTCCAAGCC[A>G]ATCACATGCCAGCCCATCGGGGGACAATAATCCAGAAACAACAACATTCTGCACACTCTC-3'
Protein context (NP_002327.2, residues 94-114): LLSPDGLACD[Trp104Arg]LGEKLYWTDS

ClinVar aggregate classification (germline): Uncertain significance (1 of 4 stars; one submission).

Submission:

Labcorp Genetics (formerly Invitae), Labcorp
Classification: Uncertain significance. Last evaluated: 2023-05-11. Review status: criteria provided, single submitter. Criteria: Invitae Variant Classification Sherloc (09022015). Collection method: clinical testing. Allele origin: germline.
Comment: In summary, the available evidence is currently insufficient to determine the role of this variant in disease. Therefore, it has been classified as a Variant of Uncertain Significance. This sequence change replaces tryptophan, which is neutral and slightly polar, with arginine, which is basic and polar, at codon 104 of the LRP6 protein (p.Trp104Arg). This variant is not present in population databases (gnomAD no frequency). This variant has not been reported in the literature in individuals affected with LRP6-related conditions. Advanced modeling of protein sequence and biophysical properties (such as structural, functional, and spatial information, amino acid conservation, physicochemical variation, residue mobility, and thermodynamic stability) performed at Invitae indicates that this missense variant is expected to disrupt LRP6 protein function.